The following is an entry in ClinVar:

ClinVar aggregate classification (germline): Uncertain significance (1 of 4 stars; one submission).

Conditions:
Bethlem myopathy 1A. Also called: MYOPATHY, BENIGN CONGENITAL, WITH CONTRACTURES; Bethlem myopathy 1; Bethlem Muscular Dystrophy. Identifiers: Orphanet 610, MedGen CN029274, MONDO:0024530, OMIM 158810.

Allele frequency attached by ClinVar (database versions not stated): gnomAD exomes below 0.00001.
gnomAD v4.1: 2 of 1,612,800 alleles (0.00012%); highest among the groups gnomAD compares: Non-Finnish European, 0.00017%; no homozygotes.

Submission:

Labcorp Genetics (formerly Invitae), Labcorp
Classification: Uncertain significance for Bethlem myopathy 1A. Last evaluated: 2021-09-01. Review status: criteria provided, single submitter. Criteria: Invitae Variant Classification Sherloc (09022015). Collection method: clinical testing. Allele origin: germline.
Comment: This sequence change replaces glycine with arginine at codon 337 of the COL6A2 protein (p.Gly337Arg). The glycine residue is highly conserved and there is a moderate physicochemical difference between glycine and arginine. This variant is not present in population databases (ExAC no frequency). This missense change has been observed in individual(s) with Ullrich congenital muscular dystrophy (PMID: 28688748). Advanced modeling of protein sequence and biophysical properties (such as structural, functional, and spatial information, amino acid conservation, physicochemical variation, residue mobility, and thermodynamic stability) performed at Invitae indicates that this missense variant is expected to disrupt COL6A2 protein function. In summary, the available evidence is currently insufficient to determine the role of this variant in disease. Therefore, it has been classified as a Variant of Uncertain Significance.

Literature cited by the submitters: PubMed 28688748.

NM_001849.4(COL6A2):c.1009G>A (p.Gly337Arg)

Gene: COL6A2 (collagen type VI alpha 2 chain; plus strand). Cytogenetic location: 21q22.3.
Variant type: single nucleotide variant.
Coding change: c.1009G>A on transcript NM_001849.4 (MANE Select); coding-DNA position 1009, G replaced by A.
Protein change: p.Gly337Arg; replaces glycine 337 with arginine.
Molecular consequence: missense variant.
Genome position (GRCh38, 1-based): chr21:46,117,409, G>A. VCF-style: chr21-46117409-G-A. GRCh37 (hg19) VCF-style: chr21-47537323-G-A.
Other names: c.1009G>A, p.Gly337Arg (NM_058174.3, NM_058175.3); short protein forms G337R.
Identifiers: ClinVar variation 1516004 (VCV001516004.5), dbSNP rs2123631275, ClinGen allele CA410527317.